The following is an entry in ClinVar:

NM_020831.6(MRTFA):c.2241_2242inv (p.Ser748Gly)

Gene: MRTFA (myocardin related transcription factor A; minus strand). Cytogenetic location: 22q13.1.
Variant type: Inversion.
Coding change: c.2241_2242inv on transcript NM_020831.6 (MANE Select).
Protein change: p.Ser748Gly; replaces serine 748 with glycine.
Molecular consequence: missense variant.
Genome position: GRCh38 VCF-style: chr22-40418496-TG-CA. GRCh37 (hg19) VCF-style: chr22-40814500-TG-CA.
Other names: c.1941_1942inv, p.Ser648Gly (NM_001282660.2); c.2091_2092inv, p.Ser698Gly (NM_001282661.3); c.2241_2242inv, p.Ser748Gly (NM_001282662.3); c.2046_2047inv, p.Ser683Gly (NM_001318139.2); short protein forms S648G, S683G, S698G, S748G.
Identifiers: ClinVar variation 3603830 (VCV003603830.2).
Genomic context (GRCh38, chr22:40,418,496, plus strand): 5'-CAAGGTGGGTCCCTGTGGAGTCGGTGATGAGGGTGGGAGGTGCAACCCCCTTGATGAGGC[TG>CA]GGGCCCTGAGGCCCCAGAAGCAACTGGGGGGCGGGGACCGGCTCGGGCTCAGGCTGCAAG-3'
Protein context (NP_065882.2, residues 738-758): PQLLLGPQGP[Ser748Gly]LIKGVAPPTL

ClinVar aggregate classification (germline): Uncertain significance (1 of 4 stars; one submission).

Submission:

Labcorp Genetics (formerly Invitae), Labcorp
Classification: Uncertain significance. Last evaluated: 2024-08-11. Review status: criteria provided, single submitter. Criteria: Invitae Variant Classification Sherloc (09022015). Collection method: clinical testing. Allele origin: germline.
Comment: This sequence change replaces serine, which is neutral and polar, with glycine, which is neutral and non-polar, at codon 648 of the MKL1 protein (p.Ser648Gly). Information on the frequency of this variant in the gnomAD database is not available, as this variant may be reported differently in the database. This variant has not been reported in the literature in individuals affected with MKL1-related conditions. Experimental studies and prediction algorithms are not available or were not evaluated, and the functional significance of this variant is currently unknown. In summary, the available evidence is currently insufficient to determine the role of this variant in disease. Therefore, it has been classified as a Variant of Uncertain Significance.